The following is an entry in ClinVar:

ClinVar aggregate classification (germline): Conflicting classifications of pathogenicity. Review status: criteria provided, conflicting classifications (1 of 4 stars). 6 submissions from 6 submitters: Uncertain significance (3); Benign (1); Likely benign (2). Last evaluated 2025-08-13.

Conditions:
Hereditary cancer-predisposing syndrome. Also called: Hereditary neoplastic syndrome; Tumor predisposition; Hereditary Cancer Syndrome; Neoplastic Syndromes, Hereditary. Identifiers: Orphanet 140162, MedGen C0027672, MeSH D009386, MONDO:0015356.
Tuberous sclerosis syndrome (TSC). Also called: Tuberous Sclerosis Complex; Tuberous sclerosis. Identifiers: Orphanet 805, MedGen C0041341, MONDO:0001734.
Tuberous sclerosis 2 (TSC2). Identifiers: Orphanet 805, MedGen C1860707, MONDO:0013199, OMIM 613254.

Allele frequency attached by ClinVar (database versions not stated): ExAC 0.00001; gnomAD 0.00001; gnomAD exomes 0.00001 and 0.00002; TOPMed 0.00001.
gnomAD v4.1: 20 of 1,612,610 alleles (0.0012%); highest among the groups gnomAD compares: African/African-American, 0.004%; no homozygotes.

Submissions (6):

Labcorp Genetics (formerly Invitae), Labcorp
Classification: Benign for Tuberous sclerosis 2. Last evaluated: 2025-08-13. Review status: criteria provided, single submitter. Criteria: Invitae Variant Classification Sherloc (09022015). Collection method: clinical testing. Allele origin: germline.

Ambry Genetics
Classification: Likely benign for Hereditary cancer-predisposing syndrome. Last evaluated: 2025-07-22. Review status: criteria provided, single submitter. Criteria: Ambry Variant Classification Scheme 2023. Collection method: clinical testing. Allele origin: germline.

Myriad Genetics, Inc.
Classification: Likely benign for Tuberous sclerosis 2. Last evaluated: 2024-08-27. Review status: criteria provided, single submitter. Criteria: Myriad Autosomal Dominant, Autosomal Recessive and X-Linked Classification Criteria (2023). Collection method: clinical testing. Allele origin: unknown.
Comment: This variant is considered likely benign. This variant has been observed at a population frequency that is significantly greater than expected given the associated disease prevalence and penetrance.

All of Us Research Program, National Institutes of Health
Classification: Uncertain significance for Tuberous sclerosis syndrome. Last evaluated: 2024-06-09. Review status: criteria provided, single submitter. Criteria: ACMG Guidelines, 2015. Collection method: clinical testing. Allele origin: germline. Inheritance: Autosomal dominant inheritance. Observed: 3 variant alleles, 3 heterozygotes.
Comment: This missense variant replaces proline with serine at codon 1777 of the TSC2 protein. Computational prediction is inconclusive regarding the impact of this variant on protein structure and function (internally defined REVEL score threshold 0.5 < inconclusive < 0.7, PMID: 27666373). To our knowledge, functional studies have not been reported for this variant. This variant has not been reported in individuals affected with TSC2-related disorders in the literature. This variant has been identified in 4/249920 chromosomes in the general population by the Genome Aggregation Database (gnomAD). The available evidence is insufficient to determine the role of this variant in disease conclusively. Therefore, this variant is classified as a Variant of Uncertain Significance.

This study involves interpretation of variants in research participants for the purpose of population health screening. Participant phenotype was not available at the time of variant classification. Additional details can be found in publication PMID: 35346344, PMCID: PMC8962531

Color Diagnostics, LLC DBA Color Health
Classification: Uncertain significance for Tuberous sclerosis syndrome. Last evaluated: 2024-05-23. Review status: criteria provided, single submitter. Criteria: ACMG Guidelines, 2015. Collection method: clinical testing. Allele origin: germline.
Comment: This missense variant replaces proline with serine at codon 1777 of the TSC2 protein. Computational prediction is inconclusive regarding the impact of this variant on protein structure and function. To our knowledge, functional studies have not been reported for this variant. This variant has not been reported in individuals affected with TSC2-related disorders in the literature. This variant has been identified in 4/249920 chromosomes in the general population by the Genome Aggregation Database (gnomAD). The available evidence is insufficient to determine the role of this variant in disease conclusively. Therefore, this variant is classified as a Variant of Uncertain Significance.

Genome-Nilou Lab
Classification: Uncertain significance for Tuberous sclerosis 2. Last evaluated: 2021-11-07. Review status: criteria provided, single submitter. Criteria: ACMG Guidelines, 2015. Collection method: clinical testing. Allele origin: germline. Affected: no.

NM_000548.5(TSC2):c.5329C>T (p.Pro1777Ser)

Gene: TSC2 (TSC complex subunit 2; plus strand). Cytogenetic location: 16p13.3.
Variant type: single nucleotide variant.
Coding change: c.5329C>T on transcript NM_000548.5 (MANE Select); coding-DNA position 5329, C replaced by T.
Protein change: p.Pro1777Ser; replaces proline 1777 with serine.
Molecular consequence: missense variant.
Genome position (GRCh38, 1-based): chr16:2,088,515, C>T. VCF-style: chr16-2088515-C-T. GRCh37 (hg19) VCF-style: chr16-2138516-C-T.
Other names: c.5128C>T, p.Pro1710Ser (NM_001077183.3); c.5260C>T, p.Pro1754Ser (NM_001114382.3); c.5020C>T, p.Pro1674Ser (NM_001318827.2); c.4984C>T, p.Pro1662Ser (NM_001318829.2); c.4597C>T, p.Pro1533Ser (NM_001318831.2); c.5161C>T, p.Pro1721Ser (NM_001318832.2); c.5131C>T, p.Pro1711Ser (NM_001363528.2); c.5197C>T, p.Pro1733Ser (NM_001370404.1); and 2 more; short protein forms P1777S, P1533S, P1711S, P1734S, P1733S, P1662S, P1721S, P1754S.
Identifiers: ClinVar variation 575848 (VCV000575848.20), dbSNP rs781226141, ClinGen allele CA055123.